The following is an entry in ClinVar:

NM_024675.4(PALB2):c.2514+1G>T

Gene: PALB2 (partner and localizer of BRCA2; minus strand). Cytogenetic location: 16p12.2.
Variant type: single nucleotide variant.
Coding change: c.2514+1G>T on transcript NM_024675.4 (MANE Select); the canonical splice donor site of the intron after coding-DNA position 2514, G replaced by T.
Molecular consequence: splice donor variant. On other transcripts: intron variant (1).
Genome position (GRCh38, 1-based): chr16:23,629,639, C>A on the plus strand (G>T on the coding strand, the complement: PALB2 is on the minus strand). VCF-style: chr16-23629639-C-A. GRCh37 (hg19) VCF-style: chr16-23640960-C-A.
Other names: c.1629+1G>T (NM_001407308.1, NM_001407306.1, NM_001407307.1 and 5 more transcripts); c.49-364G>T (NM_001407314.1); c.726+1G>T (NM_001407313.1, NM_001407312.1); c.2454+1G>T (NM_001407296.1); c.2514+1G>T (NM_001407297.1, NM_001407302.1, NM_001407298.1 and 3 more transcripts).
Identifiers: ClinVar variation 2453311 (VCV002453311.4), dbSNP rs886039729, ClinGen allele CA395123913.

ClinVar aggregate classification (germline): Likely pathogenic. Review status: criteria provided, multiple submitters, no conflicts (2 of 4 stars). 2 submissions from 2 submitters: Likely pathogenic (2). Last evaluated 2025-03-17.

Conditions:
Familial cancer of breast. Also called: BREAST CANCER, FAMILIAL; Hereditary breast cancer; hereditary breast carcinoma. Identifiers: Orphanet 227535, MedGen C0346153, MONDO:0016419, OMIM 114480. Disease mechanism: loss of function.
Hereditary cancer-predisposing syndrome. Also called: Neoplastic Syndromes, Hereditary; Tumor predisposition; Hereditary neoplastic syndrome; Hereditary Cancer Syndrome. Identifiers: Orphanet 140162, MedGen C0027672, MeSH D009386, MONDO:0015356.

Submissions (2):

Ambry Genetics
Classification: Likely pathogenic for Hereditary cancer-predisposing syndrome. Last evaluated: 2025-03-17. Review status: criteria provided, single submitter. Criteria: Ambry Variant Classification Scheme 2023. Collection method: clinical testing. Allele origin: germline.
Comment: The c.2514+1G>T intronic variant results from a G to T substitution one nucleotide after coding exon 5 of the PALB2 gene. This variant is considered to be rare based on population cohorts in the Genome Aggregation Database (gnomAD). This nucleotide position is highly conserved in available vertebrate species. In silico splice site analysis predicts that this alteration will weaken the native splice donor site; however, direct evidence is insufficient at this time (Ambry internal data). Alterations that disrupt the canonical splice site are expected to cause aberrant splicing, resulting in an abnormal protein or a transcript that is subject to nonsense-mediated mRNA decay. As such, this alteration is classified as likely pathogenic.

Labcorp Genetics (formerly Invitae), Labcorp
Classification: Likely pathogenic for Familial cancer of breast. Last evaluated: 2025-03-16. Review status: criteria provided, single submitter. Criteria: Invitae Variant Classification Sherloc (09022015). Collection method: clinical testing. Allele origin: germline.
Comment: This sequence change affects a donor splice site in intron 5 of the PALB2 gene. It is expected to disrupt RNA splicing. Variants that disrupt the donor or acceptor splice site typically lead to a loss of protein function (PMID: 16199547), and loss-of-function variants in PALB2 are known to be pathogenic (PMID: 17200668, 17200671, 17200672, 24136930, 25099575). This variant is not present in population databases (gnomAD no frequency). This variant has not been reported in the literature in individuals affected with PALB2-related conditions. ClinVar contains an entry for this variant (Variation ID: 2453311). Algorithms developed to predict the effect of sequence changes on RNA splicing suggest that this variant may disrupt the consensus splice site. In summary, the currently available evidence indicates that the variant is pathogenic, but additional data are needed to prove that conclusively. Therefore, this variant has been classified as Likely Pathogenic.

Literature cited by the submitters: PubMed 16199547 (cited by Labcorp Genetics (formerly Invitae), Labcorp); PubMed 17200668 (cited by Labcorp Genetics (formerly Invitae), Labcorp); PubMed 17200671 (cited by Labcorp Genetics (formerly Invitae), Labcorp); PubMed 17200672 (cited by Labcorp Genetics (formerly Invitae), Labcorp); PubMed 24136930 (cited by Labcorp Genetics (formerly Invitae), Labcorp); PubMed 25099575 (cited by Labcorp Genetics (formerly Invitae), Labcorp).